The following is an entry in ClinVar:

NM_052876.4(NACC1):c.308C>T (p.Thr103Met)

Gene: NACC1 (nucleus accumbens associated 1; plus strand). Cytogenetic location: 19p13.13.
Variant type: single nucleotide variant.
Coding change: c.308C>T on transcript NM_052876.4 (MANE Select); coding-DNA position 308, C replaced by T.
Protein change: p.Thr103Met; replaces threonine 103 with methionine.
Molecular consequence: missense variant.
Genome position (GRCh38, 1-based): chr19:13,135,515, C>T. VCF-style: chr19-13135515-C-T. GRCh37 (hg19) VCF-style: chr19-13246329-C-T.
Other names: short protein forms T103M.
Identifiers: ClinVar variation 4744692 (VCV004744692.1).
Genomic context (GRCh38, chr19:13,135,515, plus strand): 5'-GCTTCTGCTACACGGGCCGGCTGAGCATGAACGTGGGCGACCAGTTCCTGCTCATGTACA[C>T]GGCTGGCTTCCTGCAGATCCAGGAGATCATGGAGAAGGGCACCGAGTTCTTCCTCAAGGT-3'
Protein context (NP_443108.1, residues 93-113): NVGDQFLLMY[Thr103Met]AGFLQIQEIM

ClinVar aggregate classification (germline): Uncertain significance (1 of 4 stars; one submission).

Submission:

Labcorp Genetics (formerly Invitae), Labcorp
Classification: Uncertain significance. Last evaluated: 2025-10-02. Review status: criteria provided, single submitter. Criteria: Invitae Variant Classification Sherloc (09022015). Collection method: clinical testing. Allele origin: germline.
Comment: This sequence change replaces threonine, which is neutral and polar, with methionine, which is neutral and non-polar, at codon 103 of the NACC1 protein (p.Thr103Met). This variant is not present in population databases (gnomAD no frequency). This variant has not been reported in the literature in individuals affected with NACC1-related conditions. Invitae Evidence Modeling of protein sequence and biophysical properties (such as structural, functional, and spatial information, amino acid conservation, physicochemical variation, residue mobility, and thermodynamic stability) indicates that this missense variant is not expected to disrupt NACC1 protein function with a negative predictive value of 80%. In summary, the available evidence is currently insufficient to determine the role of this variant in disease. Therefore, it has been classified as a Variant of Uncertain Significance.